The following is an entry in ClinVar:

ClinVar aggregate classification (germline): Benign/Likely benign. Review status: criteria provided, multiple submitters, no conflicts (2 of 4 stars). 3 submissions from 3 submitters: Benign (1); Likely benign (2). Last evaluated 2026-07-30.

Conditions:
Hereditary pheochromocytoma and paraganglioma. Also called: Hereditary paragangliomas and pheochromocytomas; Hereditary Paraganglioma-Pheochromocytoma Syndromes; Hereditary pheochromocytoma-paraganglioma. Identifiers: Orphanet 29072, MedGen C4274332, MONDO:0017366.
Hereditary cancer-predisposing syndrome. Also called: Hereditary Cancer Syndrome; Hereditary neoplastic syndrome; Neoplastic Syndromes, Hereditary; Tumor predisposition. Identifiers: Orphanet 140162, MedGen C0027672, MeSH D009386, MONDO:0015356.

Submissions (3):

Myriad Genetics, Inc.
Classification: Benign for Hereditary pheochromocytoma and paraganglioma. Last evaluated: 2026-07-30. Review status: criteria provided, single submitter. Criteria: Myriad Autosomal Dominant, Autosomal Recessive and X-Linked Classification Criteria (2023). Collection method: clinical testing. Allele origin: unknown.
Comment: This variant is considered benign. This variant is a silent/synonymous amino acid change and it is not expected to impact splicing.

Labcorp Genetics (formerly Invitae), Labcorp
Classification: Likely benign for Hereditary pheochromocytoma and paraganglioma. Last evaluated: 2022-11-15. Review status: criteria provided, single submitter. Criteria: Invitae Variant Classification Sherloc (09022015). Collection method: clinical testing. Allele origin: germline.

Ambry Genetics
Classification: Likely benign for Hereditary cancer-predisposing syndrome. Last evaluated: 2022-05-21. Review status: criteria provided, single submitter. Criteria: Ambry Variant Classification Scheme 2023. Collection method: clinical testing. Allele origin: germline.

NM_017849.4(TMEM127):c.327C>G (p.Ser109=)

Gene: TMEM127 (transmembrane protein 127; minus strand). Cytogenetic location: 2q11.2.
Variant type: single nucleotide variant.
Coding change: c.327C>G on transcript NM_017849.4 (MANE Select); coding-DNA position 327, C replaced by G.
Protein change: p.Ser109=; no amino-acid change (serine 109 retained).
Molecular consequence: synonymous variant.
Genome position (GRCh38, 1-based): chr2:96,254,915, G>C on the plus strand (C>G on the coding strand, the complement: TMEM127 is on the minus strand). VCF-style: chr2-96254915-G-C. GRCh37 (hg19) VCF-style: chr2-96920653-G-C.
Other names: c.327C>G, p.Ser109= (NM_001193304.3).
Identifiers: ClinVar variation 1161635 (VCV001161635.12), dbSNP rs773650718, ClinGen allele CA427495475.
Genomic context (GRCh38, chr2:96,254,915, plus strand): 5'-ATAGCGACGAGTGATCTTCAGAGCAGGATGCTTCGGCCCAAAGACATCCAGAAGGAAAGC[G>C]GAGAGACTACACAGGATGCCCAGGAAACAGAAGGCGGCGATGACCCGCAGGAGCAGCACT-3'
Protein context (NP_060319.1, residues 99-119): FCFLGILCSL[Ser109=]AFLLDVFGPK